The following is an entry in ClinVar:

ClinVar aggregate classification (germline): Uncertain significance (1 of 4 stars; one submission).

Submission:

Labcorp Genetics (formerly Invitae), Labcorp
Classification: Uncertain significance. Last evaluated: 2018-11-28. Review status: criteria provided, single submitter. Criteria: Invitae Variant Classification Sherloc (09022015). Collection method: clinical testing. Allele origin: germline.
Comment: In summary, the available evidence is currently insufficient to determine the role of this variant in disease. Therefore, it has been classified as a Variant of Uncertain Significance. Algorithms developed to predict the effect of missense changes on protein structure and function are either unavailable or do not agree on the potential impact of this missense change (SIFT: "Deleterious"; PolyPhen-2: "Benign"; Align-GVGD: "Class C0"). This variant has not been reported in the literature in individuals with CTNNA1-related conditions. This variant is not present in population databases (ExAC no frequency). This sequence change replaces arginine with glycine at codon 653 of the CTNNA1 protein (p.Arg653Gly). The arginine residue is highly conserved and there is a moderate physicochemical difference between arginine and glycine.

NM_001903.5(CTNNA1):c.1957A>G (p.Arg653Gly)

Gene: CTNNA1 (catenin alpha 1; plus strand). Cytogenetic location: 5q31.2.
Variant type: single nucleotide variant.
Coding change: c.1957A>G on transcript NM_001903.5 (MANE Select); coding-DNA position 1957, A replaced by G.
Protein change: p.Arg653Gly; replaces arginine 653 with glycine.
Molecular consequence: missense variant.
Genome position (GRCh38, 1-based): chr5:138,929,303, A>G. VCF-style: chr5-138929303-A-G. GRCh37 (hg19) VCF-style: chr5-138264992-A-G.
Other names: c.1957A>G, p.Arg653Gly (NM_001290307.3, NM_001323982.2, NM_001323983.1 and 2 more transcripts); c.1648A>G, p.Arg550Gly (NM_001290309.3); c.1588A>G, p.Arg530Gly (NM_001290310.3); c.847A>G, p.Arg283Gly (NM_001290312.1, NM_001323987.1, NM_001323988.1 and 17 more transcripts); c.1864A>G, p.Arg622Gly (NM_001323986.2); c.508A>G, p.Arg170Gly (NM_001324006.1, NM_001324007.1, NM_001324008.1 and 2 more transcripts); c.754A>G, p.Arg252Gly (NM_001324011.1); c.604A>G, p.Arg202Gly (NM_001324012.1, NM_001324013.1); short protein forms R622G, R252G, R530G, R283G, R550G, R170G, R202G, R653G.
Identifiers: ClinVar variation 660735 (VCV000660735.8), dbSNP rs1580896125, ClinGen allele CA361132803.